The following is an entry in ClinVar:

ClinVar aggregate classification (germline): Pathogenic. Review status: criteria provided, single submitter (1 of 4 stars). 2 submissions from 2 submitters: Pathogenic (1). 1 of the submissions does not count toward it. Last evaluated 2024-10-22.

Conditions:
Early-infantile DEE. Also called: Early infantile epileptic encephalopathy; Ohtahara syndrome; Early infantile epileptic encephalopathy with suppression bursts. Identifiers: Orphanet 1934, MedGen C0393706, MONDO:0800491.
Developmental and epileptic encephalopathy, 7 (DEE7). Also called: KCNQ2-Related Neonatal Epileptic Encephalopathy; Early infantile epileptic encephalopathy 7; KCNQ2-Related Neonatal-Onset Developmental and Epileptic Encephalopathy (NEO-DEE). Identifiers: Orphanet 439218, MedGen C3150986, MONDO:0013387, OMIM 613720.

Submissions (2):

Labcorp Genetics (formerly Invitae), Labcorp
Classification: Pathogenic for Early-infantile DEE. Last evaluated: 2024-10-22. Review status: criteria provided, single submitter. Criteria: Invitae Variant Classification Sherloc (09022015). Collection method: clinical testing. Allele origin: germline.
Comment: This sequence change creates a premature translational stop signal (p.Trp157*) in the KCNQ2 gene. It is expected to result in an absent or disrupted protein product. Loss-of-function variants in KCNQ2 are known to be pathogenic (PMID: 14534157, 23692823, 27779742). This variant is not present in population databases (gnomAD no frequency). This premature translational stop signal has been observed in individual(s) with KCNQ2-related conditions (PMID: 23692823, 31418850). In at least one individual the variant was observed to be de novo. ClinVar contains an entry for this variant (Variation ID: 369744). For these reasons, this variant has been classified as Pathogenic.

GeneReviews
No classification provided. Condition: Developmental and epileptic encephalopathy, 7. Review status: no classification provided. Collection method: literature only. Allele origin: germline. Affected: yes. Not counted in ClinVar's aggregate classification.
Comment: Uncertain severity

Literature cited by the submitters: PubMed 14534157 (cited by Labcorp Genetics (formerly Invitae), Labcorp); PubMed 23692823 (cited by Labcorp Genetics (formerly Invitae), Labcorp and GeneReviews); PubMed 27779742 (cited by Labcorp Genetics (formerly Invitae), Labcorp); PubMed 31418850 (cited by Labcorp Genetics (formerly Invitae), Labcorp); NCBI Bookshelf NBK32534 (cited by GeneReviews).

NM_172107.4(KCNQ2):c.471G>A (p.Trp157Ter)

Gene: KCNQ2 (potassium voltage-gated channel subfamily Q member 2; minus strand). Cytogenetic location: 20q13.33.
Variant type: single nucleotide variant.
Coding change: c.471G>A on transcript NM_172107.4 (MANE Select); coding-DNA position 471, G replaced by A.
Protein change: p.Trp157Ter; replaces tryptophan 157 with a stop codon.
Molecular consequence: nonsense.
Genome position (GRCh38, 1-based): chr20:63,445,281, C>T on the plus strand (G>A on the coding strand, the complement: KCNQ2 is on the minus strand). VCF-style: chr20-63445281-C-T. GRCh37 (hg19) VCF-style: chr20-62076634-C-T.
Other names: c.471G>A, p.Trp157Ter (NM_004518.6, NM_172106.3, NM_172108.5 and 1 more transcripts); short protein forms W157*.
Identifiers: ClinVar variation 369744 (VCV000369744.11), dbSNP rs1057516079, ClinGen allele CA10654832.